The following is an entry in ClinVar:

ClinVar aggregate classification (germline): Likely benign (1 of 4 stars; one submission).

Allele frequency attached by ClinVar (database versions not stated): 1000 Genomes Project 30x 0.00172; 1000 Genomes Project 0.00180; gnomAD 0.00364; TOPMed 0.00364; ExAC 0.00429; ESP Exome Variant Server 0.00453.
gnomAD v4.1: 7,977 of 1,560,762 alleles (0.51%); highest among the groups gnomAD compares: Non-Finnish European, 0.63%; 25 homozygotes.

Submission:

CeGaT Center for Human Genetics Tuebingen
Classification: Likely benign. Last evaluated: 2023-04-01. Review status: criteria provided, single submitter. Criteria: CeGaT Center For Human Genetics Tuebingen Variant Classification Criteria Version 2. Collection method: clinical testing. Allele origin: germline. Affected: yes. Observed: 1 variant allele.
Comment: DRC11: BS2

NM_024726.5(DRC11):c.979G>C (p.Ala327Pro)

Genes: DRC11 (dynein regulatory complex subunit 11; minus strand), LOC126806570 (P300/CBP strongly-dependent group 1 enhancer GRCh37_chr2:237348547-237349746; plus strand). Cytogenetic location: 2q37.3.
Variant type: single nucleotide variant.
Coding change: c.979G>C on transcript NM_024726.5 (MANE Select); coding-DNA position 979, G replaced by C.
Protein change: p.Ala327Pro; replaces alanine 327 with proline.
Molecular consequence: missense variant. On other transcripts: non-coding transcript variant (1).
Genome position (GRCh38, 1-based): chr2:236,441,072, C>G on the plus strand (G>C on the coding strand, the complement: DRC11 is on the minus strand). VCF-style: chr2-236441072-C-G. GRCh37 (hg19) VCF-style: chr2-237349715-C-G.
Other names: c.979G>C, p.Ala327Pro (NM_001270584.2); c.1000G>C, p.Ala334Pro (NM_001270585.2); short protein forms A327P, A334P.
Identifiers: ClinVar variation 2652036 (VCV002652036.24), dbSNP rs191563773, ClinGen allele CA2186365.